The following is an entry in ClinVar:

ClinVar aggregate classification (germline): Pathogenic/Likely pathogenic. Review status: criteria provided, multiple submitters, no conflicts (2 of 4 stars). 5 submissions from 5 submitters: Pathogenic (4); Likely pathogenic (1). Last evaluated 2023-12-09.

Conditions:
Junctional epidermolysis bullosa, non-Herlitz type. Also called: EPIDERMOLYSIS BULLOSA, JUNCTIONAL 1A, INTERMEDIATE; EPIDERMOLYSIS BULLOSA JUNCTIONALIS, DISENTIS TYPE; EPIDERMOLYSIS BULLOSA JUNCTIONALIS, NON-HERLITZ TYPE; EPIDERMOLYSIS BULLOSA JUNCTIONALIS, PROGRESSIVE; EPIDERMOLYSIS BULLOSA JUNCTIONALIS, SEVERE NONLETHAL; Adult junctional epidermolysis bullosa. Identifiers: Orphanet 251393, Orphanet 79402, Orphanet 79405, Orphanet 89840, MedGen C0268374, MONDO:0009180, OMIM 226650.
Junctional epidermolysis bullosa gravis of Herlitz. Also called: EPIDERMOLYSIS BULLOSA, JUNCTIONAL 1B, SEVERE; Herlitz-type junctional epidermolysis bullosa; EPIDERMOLYSIS BULLOSA JUNCTIONALIS, HERLITZ TYPE; EPIDERMOLYSIS BULLOSA, JUNCTIONAL, HERLITZ-PEARSON TYPE; Epidermolysis Bullosa Letalis; JEB-HERLITZ TYPE. Identifiers: Orphanet 79404, MedGen C0079683, MONDO:0009182, OMIM 226700.
Amelogenesis imperfecta type 1A. Also called: Amelogenesis imperfecta local hypoplastic; Amelogenesis imperfecta, hypoplastic type; Amelogenesis imperfecta, type IA; AMELOGENESIS IMPERFECTA, HYPOPLASTIC TYPE IA. Identifiers: Orphanet 88661, MedGen C4011403, MONDO:0007094, OMIM 104530.
Junctional epidermolysis bullosa. Identifiers: Orphanet 305, MedGen C0079301, MONDO:0017612.

Allele frequency attached by ClinVar (database versions not stated): ExAC 0.00002; gnomAD 0.00002; gnomAD exomes 0.00002 and 0.00003.
gnomAD v4.1: 45 of 1,613,868 alleles (0.0028%); highest among the groups gnomAD compares: Non-Finnish European, 0.0036%; no homozygotes.

Submissions (5):

Labcorp Genetics (formerly Invitae), Labcorp
Classification: Pathogenic. Last evaluated: 2023-12-09. Review status: criteria provided, single submitter. Criteria: Invitae Variant Classification Sherloc (09022015). Collection method: clinical testing. Allele origin: germline.
Comment: This sequence change falls in intron 10 of the LAMB3 gene. It does not directly change the encoded amino acid sequence of the LAMB3 protein. RNA analysis indicates that this variant induces altered splicing and likely results in a shortened protein product. This variant is present in population databases (rs770302956, gnomAD 0.005%). This variant has been observed in individuals with autosomal recessive junctional epidermolysis bullosa (PMID: 11810295, 28561256). It has also been observed to segregate with disease in related individuals. ClinVar contains an entry for this variant (Variation ID: 265229). Variants that disrupt the consensus splice site are a relatively common cause of aberrant splicing (PMID: 17576681, 9536098). Studies have shown that this variant results in skipping of exon 10, but is expected to preserve the integrity of the reading-frame (PMID: 28561256). For these reasons, this variant has been classified as Pathogenic.

GeneDx
Classification: Pathogenic. Last evaluated: 2023-06-21. Review status: criteria provided, single submitter. Criteria: GeneDx Variant Classification Process June 2021. Collection method: clinical testing. Allele origin: germline. Affected: yes.
Comment: Intronic +5 splice site variant in a gene for which loss of function is a known mechanism of disease, and both splice predictors and evolutionary conservation support a deleterious effect.; Not observed at significant frequency in large population cohorts (gnomAD); This variant is associated with the following publications: (PMID: 11810295, 28561256, 31001817)

Fulgent Genetics
Classification: Pathogenic for Amelogenesis imperfecta type 1A; Junctional epidermolysis bullosa, non-Herlitz type; Junctional epidermolysis bullosa gravis of Herlitz. Last evaluated: 2022-04-07. Review status: criteria provided, single submitter. Criteria: ACMG Guidelines, 2015. Collection method: clinical testing. Allele origin: unknown.

Illumina Laboratory Services, Illumina
Classification: Likely pathogenic for Epidermolysis bullosa, junctional. Last evaluated: 2017-08-18. Review status: criteria provided, single submitter. Criteria: ICSL Variant Classification Criteria 09 May 2019. Collection method: clinical testing. Allele origin: germline.
Comment: The LAMB3 c.1132+5G>A variant has been reported in two studies in which it is found in a total of four individuals with junctional epidermolysis bullosa including in a homozygous state in two twins and in a compound heterozygous state in two unrelated individuals (Nakano et al. 2002; Condorelli et al. 2017). One of the compound heterozygotes carries a null allele on the second allele. Control data are unavailable for this variant, which is reported at a frequency of 0.000054 in the European (non-Finnish) population of the Genome Aggregation Database. Expression studies using RT-PCR demonstrated that the c.1132+5G>A variant resulted in the production of two major aberrant transcripts with partial skipping of the exon 10 of the LAMB3 gene coding for EGF-like motif 2 of the beta3 short arm of laminin-332 (Condorelli et al. 2017). Although the laminin-332 protein was correctly assembled, it was retained in the endoplasmic reticulum (ER) where it co-localization with lumenal ER chaperone BiP, leading to significantly reduced secretion (Condorelli et al. 2017). Based on the collective evidence, the c.1132+5G>A variant is classified as likely pathogenic for junctional epidermolysis bullosa. This variant was observed by ICSL as part of a predisposition screen in an ostensibly healthy population.

Juno Genomics, Hangzhou Juno Genomics, Inc
Classification: Pathogenic for Junctional epidermolysis bullosa, non-Herlitz type. Review status: criteria provided, single submitter. Criteria: ACMG Guidelines, 2015. Collection method: clinical testing. Allele origin: germline.
Comment: Absent from controls (or at extremely low frequency if recessive) in Genome Aggregation Database.;Null variant in a gene where loss of function (LOF) is a known mechanism of disease.;For recessive disorders, detected in trans with a pathogenic variant.

Literature cited by the submitters: PubMed 11810295 (cited by Labcorp Genetics (formerly Invitae), Labcorp and Illumina Laboratory Services, Illumina); PubMed 28561256 (cited by Labcorp Genetics (formerly Invitae), Labcorp and Illumina Laboratory Services, Illumina); PubMed 17576681 (cited by Labcorp Genetics (formerly Invitae), Labcorp); PubMed 9536098 (cited by Labcorp Genetics (formerly Invitae), Labcorp).

NM_000228.3(LAMB3):c.1132+5G>A

Gene: LAMB3 (laminin subunit beta 3; minus strand). Cytogenetic location: 1q32.2.
Variant type: single nucleotide variant.
Coding change: c.1132+5G>A on transcript NM_000228.3 (MANE Select); 5 bases into the intron after coding-DNA position 1132, G replaced by A.
Molecular consequence: intron variant.
Genome position (GRCh38, 1-based): chr1:209,629,732, C>T on the plus strand (G>A on the coding strand, the complement: LAMB3 is on the minus strand). VCF-style: chr1-209629732-C-T. GRCh37 (hg19) VCF-style: chr1-209803077-C-T.
Other names: c.1132+5G>A (NM_001127641.1, NM_001017402.2).
Identifiers: ClinVar variation 265229 (VCV000265229.16), dbSNP rs770302956, ClinGen allele CA1375693.